The following is an entry in ClinVar:

ClinVar aggregate classification (germline): Uncertain significance (1 of 4 stars; one submission).

Conditions:
Inborn genetic diseases. Identifiers: MedGen C0950123, MeSH D030342.

Allele frequency attached by ClinVar (database versions not stated): gnomAD exomes below 0.00001; TOPMed below 0.00001; gnomAD 0.00001.
gnomAD v4.1: 3 of 1,613,796 alleles (0.00019%); highest among the groups gnomAD compares: Non-Finnish European, 0.00025%; no homozygotes.

Submission:

Ambry Genetics
Classification: Uncertain significance for Inborn genetic diseases. Last evaluated: 2022-07-05. Review status: criteria provided, single submitter. Criteria: Ambry Variant Classification Scheme 2023. Collection method: clinical testing. Allele origin: germline.
Comment: The p.G320E variant (also known as c.959G>A), located in coding exon 7 of the MIB1 gene, results from a G to A substitution at nucleotide position 959. The glycine at codon 320 is replaced by glutamic acid, an amino acid with similar properties. This amino acid position is conserved. In addition, the in silico prediction for this alteration is inconclusive. Since supporting evidence is limited at this time, the clinical significance of this alteration remains unclear.

NM_020774.4(MIB1):c.959G>A (p.Gly320Glu)

Gene: MIB1 (MIB E3 ubiquitin protein ligase 1; plus strand). Cytogenetic location: 18q11.2.
Variant type: single nucleotide variant.
Coding change: c.959G>A on transcript NM_020774.4 (MANE Select); coding-DNA position 959, G replaced by A.
Protein change: p.Gly320Glu; replaces glycine 320 with glutamic acid.
Molecular consequence: missense variant.
Genome position (GRCh38, 1-based): chr18:21,791,424, G>A. VCF-style: chr18-21791424-G-A. GRCh37 (hg19) VCF-style: chr18-19371385-G-A.
Other names: short protein forms G320E.
Identifiers: ClinVar variation 1767500 (VCV001767500.2), dbSNP rs1598612845, ClinGen allele CA401748359.